The following is an entry in ClinVar:

ClinVar aggregate classification (germline): Conflicting classifications of pathogenicity. Review status: criteria provided, conflicting classifications (1 of 4 stars). 3 submissions from 3 submitters: Uncertain significance (2); Likely benign (1). Last evaluated 2025-04-27.

Conditions:
Bethlem myopathy 1A. Also called: Bethlem Muscular Dystrophy; MYOPATHY, BENIGN CONGENITAL, WITH CONTRACTURES; Bethlem myopathy 1. Identifiers: Orphanet 610, MedGen CN029274, MONDO:0024530, OMIM 158810.
COL6A1-related disorder. Also called: COL6A1-related condition.

Allele frequency attached by ClinVar (database versions not stated): TOPMed 0.00005; ESP Exome Variant Server 0.00023; gnomAD 0.00004.
gnomAD v4.1: 98 of 1,613,488 alleles (0.0061%); highest among the groups gnomAD compares: Non-Finnish European, 0.008%; no homozygotes.

Submissions (4):

PreventionGenetics, part of Exact Sciences
Classification: Likely benign for COL6A1-related condition. Last evaluated: 2025-04-27. Review status: criteria provided, single submitter. Criteria: ACMG Guidelines, 2015. Collection method: clinical testing. Allele origin: germline.
Comment: This variant is classified as likely benign based on ACMG/AMP sequence variant interpretation guidelines (Richards et al. 2015 PMID: 25741868, with internal and published modifications).

Labcorp Genetics (formerly Invitae), Labcorp
Classification: Uncertain significance for Bethlem myopathy 1A. Last evaluated: 2023-10-18. Review status: criteria provided, single submitter. Criteria: Invitae Variant Classification Sherloc (09022015). Collection method: clinical testing. Allele origin: germline.
Comment: This sequence change falls in intron 17 of the COL6A1 gene. It does not directly change the encoded amino acid sequence of the COL6A1 protein. It affects a nucleotide within the consensus splice site. This variant is present in population databases (rs376327142, gnomAD 0.008%). This variant has not been reported in the literature in individuals affected with COL6A1-related conditions. ClinVar contains an entry for this variant (Variation ID: 501677). Variants that disrupt the consensus splice site are a relatively common cause of aberrant splicing (PMID: 17576681, 9536098). Algorithms developed to predict the effect of sequence changes on RNA splicing suggest that this variant is not likely to affect RNA splicing. In summary, the available evidence is currently insufficient to determine the role of this variant in disease. Therefore, it has been classified as a Variant of Uncertain Significance.

Eurofins Ntd Llc (ga)
Classification: Uncertain significance. Last evaluated: 2017-05-10. Review status: criteria provided, single submitter. Criteria: EGL Classification Definitions 2015. Collection method: clinical testing. Allele origin: germline. Observed: 1 variant allele, 1 heterozygote.

Dr. Peter K. Rogan Lab, Western University
No classification provided (evidence only). Condition: Lung cancer. Review status: no classification provided. Collection method: in vitro. Allele origin: not applicable. Functional consequence: retained intron. Not counted in ClinVar's aggregate classification.

Literature cited by the submitters: PubMed 17576681 (cited by Labcorp Genetics (formerly Invitae), Labcorp); PubMed 9536098 (cited by Labcorp Genetics (formerly Invitae), Labcorp).

NM_001848.3(COL6A1):c.1236+5G>A

Gene: COL6A1 (collagen type VI alpha 1 chain; plus strand). Cytogenetic location: 21q22.3.
Variant type: single nucleotide variant.
Coding change: c.1236+5G>A on transcript NM_001848.3 (MANE Select); 5 bases into the intron after coding-DNA position 1236, G replaced by A.
Molecular consequence: intron variant.
Genome position (GRCh38, 1-based): chr21:45,992,222, G>A. VCF-style: chr21-45992222-G-A. GRCh37 (hg19) VCF-style: chr21-47412136-G-A.
Other names: c.1236+5G>A (NM_001848.2).
Identifiers: ClinVar variation 501677 (VCV000501677.12), dbSNP rs376327142, ClinGen allele CA10070170.